The following is an entry in ClinVar:

NM_001267550.2(TTN):c.41924C>T (p.Thr13975Ile)

Gene: TTN (titin; minus strand). Cytogenetic location: 2q31.2.
Variant type: single nucleotide variant.
Coding change: c.41924C>T on transcript NM_001267550.2 (MANE Select); coding-DNA position 41924, C replaced by T.
Protein change: p.Thr13975Ile; replaces threonine 13975 with isoleucine.
Molecular consequence: missense variant.
Genome position (GRCh38, 1-based): chr2:178,635,265, G>A on the plus strand (C>T on the coding strand, the complement: TTN is on the minus strand). VCF-style: chr2-178635265-G-A. GRCh37 (hg19) VCF-style: chr2-179499992-G-A.
Other names: c.37001C>T, p.Thr12334Ile (NM_001256850.1); c.14729C>T, p.Thr4910Ile (NM_003319.4); c.34220C>T, p.Thr11407Ile (NM_133378.4); c.15104C>T, p.Thr5035Ile (NM_133432.3); c.15305C>T, p.Thr5102Ile (NM_133437.4); short protein forms T11407I, T12334I, T4910I, T13975I, T5035I, T5102I.
Identifiers: ClinVar variation 1773378 (VCV001773378.3), dbSNP rs1417052657, ClinGen allele CA349656556.

ClinVar aggregate classification (germline): Uncertain significance. Review status: criteria provided, multiple submitters, no conflicts (2 of 4 stars). 2 submissions from 2 submitters: Uncertain significance (2). Last evaluated 2026-09-01.

Conditions:
Cardiovascular phenotype. Identifiers: MedGen CN230736.
TTN-related disorder. Also called: TTN-related disorders; TTN-related condition; TTN-related disease.

Allele frequency attached by ClinVar (database versions not stated): gnomAD 0.00001.
gnomAD v4.1: 2 of 1,613,104 alleles (0.00012%); highest among the groups gnomAD compares: African/African-American, 0.0027%; no homozygotes.

Submissions (2):

PreventionGenetics, part of Exact Sciences
Classification: Uncertain significance for TTN-related condition. Last evaluated: 2026-09-01. Review status: criteria provided, single submitter. Criteria: ACMG Guidelines, 2015. Collection method: clinical testing. Allele origin: germline.
Comment: The TTN c.41924C>T variant is predicted to result in the amino acid substitution p.Thr13975Ile. To our knowledge, this variant has not been reported in the literature. This variant is reported in 0.011% of alleles in individuals of African descent in gnomAD. At this time, the clinical significance of this variant is uncertain due to the absence of conclusive functional and genetic evidence.

Ambry Genetics
Classification: Uncertain significance for Cardiovascular phenotype. Last evaluated: 2019-03-13. Review status: criteria provided, single submitter. Criteria: Ambry Variant Classification Scheme 2023. Collection method: clinical testing. Allele origin: germline.
Comment: The p.T4910I variant (also known as c.14729C>T), located in coding exon 55 of the TTN gene, results from a C to T substitution at nucleotide position 14729. The threonine at codon 4910 is replaced by isoleucine, an amino acid with similar properties. This amino acid position is not well conserved in available vertebrate species. In addition, this alteration is predicted to be tolerated by in silico analysis. Since supporting evidence is limited at this time, the clinical significance of this alteration remains unclear.